The following is an entry in ClinVar:

NM_001098.3(ACO2):c.334A>G (p.Ser112Gly)

Gene: ACO2 (aconitase 2; plus strand). Cytogenetic location: 22q13.2.
Variant type: single nucleotide variant.
Coding change: c.334A>G on transcript NM_001098.3 (MANE Select); coding-DNA position 334, A replaced by G.
Protein change: p.Ser112Gly; replaces serine 112 with glycine.
Molecular consequence: missense variant.
Genome position (GRCh38, 1-based): chr22:41,507,951, A>G. VCF-style: chr22-41507951-A-G. GRCh37 (hg19) VCF-style: chr22-41903955-A-G.
Other names: short protein forms S112G.
Identifiers: ClinVar variation 3656869 (VCV003656869.2).
Genomic context (GRCh38, chr22:41,507,951, plus strand): 5'-CGGCCGGACCGTGTGGCCATGCAGGATGCGACGGCCCAGATGGCCATGCTCCAGTTCATC[A>G]GCAGCGGGCTGTCCAAGGTGGCTGTGCCATCCACCATCCACTGTGACCATCTGATTGAAG-3'
Protein context (NP_001089.1, residues 102-122): TAQMAMLQFI[Ser112Gly]SGLSKVAVPS

ClinVar aggregate classification (germline): Uncertain significance (1 of 4 stars; one submission).

Submission:

Labcorp Genetics (formerly Invitae), Labcorp
Classification: Uncertain significance. Last evaluated: 2024-06-17. Review status: criteria provided, single submitter. Criteria: Invitae Variant Classification Sherloc (09022015). Collection method: clinical testing. Allele origin: germline.
Comment: This sequence change replaces serine, which is neutral and polar, with glycine, which is neutral and non-polar, at codon 112 of the ACO2 protein (p.Ser112Gly). This variant is not present in population databases (gnomAD no frequency). This variant has not been reported in the literature in individuals affected with ACO2-related conditions. Advanced modeling of protein sequence and biophysical properties (such as structural, functional, and spatial information, amino acid conservation, physicochemical variation, residue mobility, and thermodynamic stability) has been performed at Invitae for this missense variant, however the output from this modeling did not meet the statistical confidence thresholds required to predict the impact of this variant on ACO2 protein function. This variant disrupts the p.Ser112 amino acid residue in ACO2. Other variant(s) that disrupt this residue have been determined to be pathogenic (PMID: 22405087). This suggests that this residue is clinically significant, and that variants that disrupt this residue are likely to be disease-causing. In summary, the available evidence is currently insufficient to determine the role of this variant in disease. Therefore, it has been classified as a Variant of Uncertain Significance.

Literature cited by the submitters: PubMed 22405087.